The following is an entry in ClinVar:

NM_014244.5(ADAMTS2):c.1952-319A>G

Gene: ADAMTS2 (ADAM metallopeptidase with thrombospondin type 1 motif 2; minus strand). Cytogenetic location: 5q35.3.
Variant type: single nucleotide variant.
Coding change: c.1952-319A>G on transcript NM_014244.5 (MANE Select); 319 bases into the intron before coding-DNA position 1952, A replaced by G.
Molecular consequence: intron variant.
Genome position (GRCh38, 1-based): chr5:179,136,361, T>C on the plus strand (A>G on the coding strand, the complement: ADAMTS2 is on the minus strand). VCF-style: chr5-179136361-T-C. GRCh37 (hg19) VCF-style: chr5-178563362-T-C.
Identifiers: ClinVar variation 682692 (VCV000682692.1), dbSNP rs9286043, ClinGen allele CA11956034.

ClinVar aggregate classification (germline): Benign (1 of 4 stars; one submission).

Allele frequency attached by ClinVar (database versions not stated): 1000 Genomes Project 30x 0.43317; 1000 Genomes Project 0.43391; TOPMed 0.44225; gnomAD 0.44786 and 0.45034.
gnomAD v4.1: 68,436 of 151,960 alleles (45%); highest among the groups gnomAD compares: Non-Finnish European, 50%; 15,880 homozygotes.

Submission:

GeneDx
Classification: Benign. Last evaluated: 2018-06-19. Review status: criteria provided, single submitter. Criteria: GeneDx Variant Classification (06012015). Collection method: clinical testing. Allele origin: germline. Affected: yes.
Comment: This variant is considered likely benign or benign based on one or more of the following criteria: it is a conservative change, it occurs at a poorly conserved position in the protein, it is predicted to be benign by multiple in silico algorithms, and/or has population frequency not consistent with disease.